The following is an entry in ClinVar:

ClinVar aggregate classification (germline): Uncertain significance (1 of 4 stars; one submission).

Conditions:
Ullrich congenital muscular dystrophy 2 (UCMD2). Identifiers: Orphanet 75840, MedGen C4225314, MONDO:0014654, OMIM 616470.
Bethlem myopathy 2 (BTHLM2). Identifiers: Orphanet 536516, Orphanet 610, MedGen C4225313, MONDO:0034022, OMIM 616471.

gnomAD v4.1: 2 of 1,596,346 alleles (0.00013%); highest among the groups gnomAD compares: Non-Finnish European, 0.00017%; no homozygotes.

Submission:

Labcorp Genetics (formerly Invitae), Labcorp
Classification: Uncertain significance for Bethlem myopathy 2; Ullrich congenital muscular dystrophy 2. Last evaluated: 2021-03-27. Review status: criteria provided, single submitter. Criteria: Invitae Variant Classification Sherloc (09022015). Collection method: clinical testing. Allele origin: germline.
Comment: In summary, the available evidence is currently insufficient to determine the role of this variant in disease. Therefore, it has been classified as a Variant of Uncertain Significance. Algorithms developed to predict the effect of missense changes on protein structure and function are either unavailable or do not agree on the potential impact of this missense change (SIFT: "Deleterious"; PolyPhen-2: "Benign"; Align-GVGD: "Class C0"). This variant has not been reported in the literature in individuals with COL12A1-related conditions. This variant is not present in population databases (ExAC no frequency). This sequence change replaces phenylalanine with leucine at codon 1087 of the COL12A1 protein (p.Phe1087Leu). The phenylalanine residue is highly conserved and there is a small physicochemical difference between phenylalanine and leucine.

NM_004370.6(COL12A1):c.3259T>C (p.Phe1087Leu)

Gene: COL12A1 (collagen type XII alpha 1 chain; minus strand). Cytogenetic location: 6q13.
Variant type: single nucleotide variant.
Coding change: c.3259T>C on transcript NM_004370.6 (MANE Select); coding-DNA position 3259, T replaced by C.
Protein change: p.Phe1087Leu; replaces phenylalanine 1087 with leucine.
Molecular consequence: missense variant. On other transcripts: intron variant (1).
Genome position (GRCh38, 1-based): chr6:75,155,846, A>G on the plus strand (T>C on the coding strand, the complement: COL12A1 is on the minus strand). VCF-style: chr6-75155846-A-G. GRCh37 (hg19) VCF-style: chr6-75865562-A-G.
Other names: c.74-3364T>C (NM_080645.3); short protein forms F1087L.
Identifiers: ClinVar variation 1436221 (VCV001436221.8), dbSNP rs2149423356, ClinGen allele CA364753114.